The following is an entry in ClinVar:

NM_021076.4(NEFH):c.607G>A (p.Ala203Thr)

Gene: NEFH (neurofilament heavy chain; plus strand). Cytogenetic location: 22q12.2.
Variant type: single nucleotide variant.
Coding change: c.607G>A on transcript NM_021076.4 (MANE Select); coding-DNA position 607, G replaced by A.
Protein change: p.Ala203Thr; replaces alanine 203 with threonine.
Molecular consequence: missense variant.
Genome position (GRCh38, 1-based): chr22:29,480,869, G>A. VCF-style: chr22-29480869-G-A. GRCh37 (hg19) VCF-style: chr22-29876858-G-A.
Other names: short protein forms A203T.
Identifiers: ClinVar variation 1516541 (VCV001516541.10), dbSNP rs912081556, ClinGen allele CA323083033.

ClinVar aggregate classification (germline): Uncertain significance. Review status: criteria provided, multiple submitters, no conflicts (2 of 4 stars). 2 submissions from 2 submitters: Uncertain significance (2). Last evaluated 2024-04-08.

Conditions:
Inborn genetic diseases. Identifiers: MedGen C0950123, MeSH D030342.

Allele frequency attached by ClinVar (database versions not stated): gnomAD 0.00006; TOPMed 0.00006.

Submissions (2):

Labcorp Genetics (formerly Invitae), Labcorp
Classification: Uncertain significance. Last evaluated: 2024-04-08. Review status: criteria provided, single submitter. Criteria: Invitae Variant Classification Sherloc (09022015). Collection method: clinical testing. Allele origin: germline.
Comment: This sequence change replaces alanine, which is neutral and non-polar, with threonine, which is neutral and polar, at codon 203 of the NEFH protein (p.Ala203Thr). This variant is present in population databases (no rsID available, gnomAD 0.01%). This variant has not been reported in the literature in individuals affected with NEFH-related conditions. ClinVar contains an entry for this variant (Variation ID: 1516541). Advanced modeling of protein sequence and biophysical properties (such as structural, functional, and spatial information, amino acid conservation, physicochemical variation, residue mobility, and thermodynamic stability) performed at Invitae indicates that this missense variant is not expected to disrupt NEFH protein function with a negative predictive value of 95%. In summary, the available evidence is currently insufficient to determine the role of this variant in disease. Therefore, it has been classified as a Variant of Uncertain Significance.

Ambry Genetics
Classification: Uncertain significance for Inborn genetic diseases. Last evaluated: 2020-10-20. Review status: criteria provided, single submitter. Criteria: Ambry Variant Classification Scheme 2023. Collection method: clinical testing. Allele origin: germline.
Comment: The p.A203T variant (also known as c.607G>A), located in coding exon 1 of the NEFH gene, results from a G to A substitution at nucleotide position 607. The alanine at codon 203 is replaced by threonine, an amino acid with similar properties. This amino acid position is not well conserved in available vertebrate species. In addition, this alteration is predicted to be tolerated by in silico analysis. Since supporting evidence is limited at this time, the clinical significance of this alteration remains unclear.